The following is an entry in ClinVar:

NM_032442.3(NEURL4):c.283G>A (p.Val95Ile)

Gene: NEURL4 (neuralized E3 ubiquitin protein ligase 4; minus strand). Cytogenetic location: 17p13.1.
Variant type: single nucleotide variant.
Coding change: c.283G>A on transcript NM_032442.3 (MANE Select); coding-DNA position 283, G replaced by A.
Protein change: p.Val95Ile; replaces valine 95 with isoleucine.
Molecular consequence: missense variant.
Genome position (GRCh38, 1-based): chr17:7,327,884, C>T on the plus strand (G>A on the coding strand, the complement: NEURL4 is on the minus strand). VCF-style: chr17-7327884-C-T. GRCh37 (hg19) VCF-style: chr17-7231203-C-T.
Other names: c.283G>A, p.Val95Ile (NM_001005408.2); short protein forms V95I.
Identifiers: ClinVar variation 2647333 (VCV002647333.24), dbSNP rs148487585, ClinGen allele CA8343542.

ClinVar aggregate classification (germline): Likely benign (1 of 4 stars; one submission).

Allele frequency attached by ClinVar (database versions not stated): 1000 Genomes Project 30x 0.00062; 1000 Genomes Project 0.00080; TOPMed 0.00242; gnomAD exomes 0.00408; ESP Exome Variant Server 0.00257; gnomAD 0.00313; ExAC 0.00584.

Submission:

CeGaT Center for Human Genetics Tuebingen
Classification: Likely benign. Last evaluated: 2023-03-01. Review status: criteria provided, single submitter. Criteria: CeGaT Center For Human Genetics Tuebingen Variant Classification Criteria Version 2. Collection method: clinical testing. Allele origin: germline. Affected: yes. Observed: 3 variant alleles.
Comment: NEURL4: BS2